The following is an entry in ClinVar:

NM_000165.5(GJA1):c.680A>T (p.Glu227Val)

Gene: GJA1 (gap junction protein alpha 1; plus strand). Cytogenetic location: 6q22.31.
Variant type: single nucleotide variant.
Coding change: c.680A>T on transcript NM_000165.5 (MANE Select); coding-DNA position 680, A replaced by T.
Protein change: p.Glu227Val; replaces glutamic acid 227 with valine.
Molecular consequence: missense variant.
Genome position (GRCh38, 1-based): chr6:121,447,527, A>T. VCF-style: chr6-121447527-A-T. GRCh37 (hg19) VCF-style: chr6-121768673-A-T.
Other names: short protein forms E227V.
Identifiers: ClinVar variation 3767595 (VCV003767595.1).
Genomic context (GRCh38, chr6:121,447,527, plus strand): 5'-CCATCTTCATCATCTTCATGCTGGTGGTGTCCTTGGTGTCCCTGGCCTTGAATATCATTG[A>T]ACTCTTCTATGTTTTCTTCAAGGGCGTTAAGGATCGGGTTAAGGGAAAGAGCGACCCTTA-3'
Protein context (NP_000156.1, residues 217-237): SLVSLALNII[Glu227Val]LFYVFFKGVK

ClinVar aggregate classification (germline): Uncertain significance (1 of 4 stars; one submission).

Submission:

GeneDx
Classification: Uncertain significance. Last evaluated: 2024-09-06. Review status: criteria provided, single submitter. Criteria: GeneDx Variant Classification Process June 2021. Collection method: clinical testing. Allele origin: germline. Affected: yes.
Comment: Not observed at significant frequency in large population cohorts (gnomAD); In silico analysis supports that this missense variant has a deleterious effect on protein structure/function; Has not been previously published as pathogenic or benign to our knowledge